The following is an entry in ClinVar:

ClinVar aggregate classification (germline): Uncertain significance. Review status: criteria provided, single submitter (1 of 4 stars). 2 submissions from 2 submitters: Uncertain significance (1). 1 of the submissions does not count toward it. Last evaluated 2025-02-21.

Conditions:
Spastic ataxia 10, autosomal recessive (SPAX10). Identifiers: MedGen C5882738, MONDO:0958009, OMIM 620666.

Allele frequency attached by ClinVar (database versions not stated): TOPMed 0.00001; ExAC 0.00003; gnomAD 0.00003.

Submissions (2):

Women's Health and Genetics/Laboratory Corporation of America, LabCorp
Classification: Uncertain significance. Last evaluated: 2025-02-21. Review status: criteria provided, single submitter. Criteria: LabCorp Variant Classification Summary - May 2015. Collection method: clinical testing. Allele origin: germline.
Comment: Variant summary: COQ4 c.433C>T (p.Arg145Cys) results in a non-conservative amino acid change in the encoded protein sequence. Four of five in-silico tools predict a damaging effect of the variant on protein function. The variant allele was found at a frequency of 9.3e-06 in 215486 control chromosomes (gnomAD). c.433C>T has been reported in the literature in at least an individual affected with COQ4-related conditions (Wu_2022, Wei_2024). These data indicate that the variant may be associated with disease. The following publications have been ascertained in the context of this evaluation (PMID: 35598585, 38013626). ClinVar contains an entry for this variant (Variation ID: 2686024). Based on the evidence outlined above, the variant was classified as VUS-possibly pathogenic.

OMIM
Classification: Pathogenic for SPASTIC ATAXIA 10, AUTOSOMAL RECESSIVE. Last evaluated: 2024-05-07. Review status: no assertion criteria provided. Collection method: literature only. Allele origin: germline. Not counted in ClinVar's aggregate classification.

Literature cited by the submitters: PubMed 35598585 (cited by Women's Health and Genetics/Laboratory Corporation of America, LabCorp); PubMed 38013626 (cited by Women's Health and Genetics/Laboratory Corporation of America, LabCorp and OMIM).

NM_016035.5(COQ4):c.433C>T (p.Arg145Cys)

Gene: COQ4 (coenzyme Q4; plus strand). Cytogenetic location: 9q34.11.
Variant type: single nucleotide variant.
Coding change: c.433C>T on transcript NM_016035.5 (MANE Select); coding-DNA position 433, C replaced by T.
Protein change: p.Arg145Cys; replaces arginine 145 with cysteine.
Molecular consequence: missense variant. On other transcripts: intron variant (1).
Genome position (GRCh38, 1-based): chr9:128,332,183, C>T. VCF-style: chr9-128332183-C-T. GRCh37 (hg19) VCF-style: chr9-131094462-C-T.
Other names: c.*3-1291C>T (NM_001305942.2); short protein forms R145C.
Identifiers: ClinVar variation 2686024 (VCV002686024.3), dbSNP rs774395996, ClinGen allele CA5260573.